The following is an entry in ClinVar:

NR_001566.3(TERC):n.193G>A

Genes: TERC (telomerase RNA component; minus strand), LOC110806306 (telomerase RNA component (TERC) promoter; plus strand). Cytogenetic location: 3q26.2.
Variant type: single nucleotide variant.
Genome position: GRCh38 VCF-style: chr3-169764868-C-T. GRCh37 (hg19) VCF-style: chr3-169482656-C-T.
Identifiers: ClinVar variation 465764 (VCV000465764.12), dbSNP rs753227339, ClinGen allele CA2696811.

ClinVar aggregate classification (germline): Uncertain significance. Review status: criteria provided, multiple submitters, no conflicts (2 of 4 stars). 3 submissions from 3 submitters: Uncertain significance (2). 1 of the submissions does not count toward it. Last evaluated 2025-12-01.

Conditions:
Dyskeratosis congenita. Identifiers: Orphanet 1775, MedGen C0265965, MONDO:0015780.
Dyskeratosis congenita, autosomal dominant 1 (DKCA1). Also called: Dyskeratosis congenita Scoggins type. Identifiers: Orphanet 1775, MedGen C4551974, MONDO:0007485, OMIM 127550. Inheritance: Variable.
TERC-related disorder. Also called: TERC-related condition.

Allele frequency attached by ClinVar (database versions not stated): gnomAD 0.00001; gnomAD exomes 0.00002 and 0.00003; ExAC 0.00004; TOPMed 0.00004.
gnomAD v4.1: 12 of 757,260 alleles (0.0016%); highest among the groups gnomAD compares: Admixed American, 0.0086%; no homozygotes.

Submissions (3):

Labcorp Genetics (formerly Invitae), Labcorp
Classification: Uncertain significance for Dyskeratosis congenita, autosomal dominant 1. Last evaluated: 2025-12-01. Review status: criteria provided, single submitter. Criteria: Invitae Variant Classification Sherloc (09022015). Collection method: clinical testing. Allele origin: germline.
Comment: This variant occurs in the TERC gene, which encodes an RNA molecule that does not result in a protein product. The frequency data for this variant in the population databases is considered unreliable, as metrics indicate poor data quality at this position in the gnomAD database. This variant has not been reported in the literature in individuals affected with TERC-related conditions. ClinVar contains an entry for this variant (Variation ID: 465764). This variant is located within the hypervariable region that is not conserved in the TERC RNA component (PMID: 10721988, 21844345). The functional significance of this region is not well understood. In summary, the available evidence is currently insufficient to determine the role of this variant in disease. Therefore, it has been classified as a Variant of Uncertain Significance.

Sema4
Classification: Uncertain significance for Dyskeratosis congenita. Last evaluated: 2021-04-08. Review status: criteria provided, single submitter. Criteria: Sema4 Curation Guidelines. Collection method: curation. Allele origin: germline.
Comment: The TERC n.193G>A variant has not been reported in the literature to our knowledge. TERC gene encodes an RNA component of the Telomerase enzyme and does not result in a protein product. This variant was observed in 6/213210 chromosomes in the large and broad cohorts of the Genome Aggregation Database. The variant has been reported in ClinVar (Variation ID: 465764). The evidence is insufficient to meet ACMG/AMP criteria for classifying the variant as benign or pathogenic. Thus, the clinical significance of this variant is currently uncertain.

PreventionGenetics, part of Exact Sciences
Classification: Uncertain significance for TERC-related condition. Last evaluated: 2024-08-05. Review status: no assertion criteria provided. Collection method: clinical testing. Allele origin: germline. Not counted in ClinVar's aggregate classification.
Comment: The TERC n.193G>A is a noncoding alteration. To our knowledge, this variant has not been reported in the literature. This variant is reported in 0.0061% of alleles in individuals of Latino descent in gnomAD. At this time, the clinical significance of this variant is uncertain due to the absence of conclusive functional and genetic evidence.

Literature cited by the submitters: PubMed 10721988 (cited by Labcorp Genetics (formerly Invitae), Labcorp); PubMed 21844345 (cited by Labcorp Genetics (formerly Invitae), Labcorp).